The following is an entry in ClinVar:

NM_001830.4(CLCN4):c.705C>G (p.Gly235=)

Gene: CLCN4 (chloride voltage-gated channel 4; plus strand). Cytogenetic location: Xp22.2.
Variant type: single nucleotide variant.
Coding change: c.705C>G on transcript NM_001830.4 (MANE Select); coding-DNA position 705, C replaced by G.
Protein change: p.Gly235=; no amino-acid change (glycine 235 retained).
Molecular consequence: synonymous variant.
Genome position (GRCh38, 1-based): chrX:10,206,507, C>G. VCF-style: chrX-10206507-C-G. GRCh37 (hg19) VCF-style: chrX-10174547-C-G.
Other names: c.423C>G, p.Gly141= (NM_001256944.2).
Identifiers: ClinVar variation 210735 (VCV000210735.21), dbSNP rs777452988, ClinGen allele CA208789.

ClinVar aggregate classification (germline): Likely benign. Review status: criteria provided, multiple submitters, no conflicts (2 of 4 stars). 4 submissions from 4 submitters: Likely benign (3). 1 of the submissions does not count toward it. Last evaluated 2026-01-12.

Conditions:
CLCN4-related disorder. Identifiers: MedGen CN232948.

Allele frequency attached by ClinVar (database versions not stated): ExAC 0.00001; gnomAD exomes 0.00001 and 0.00002; TOPMed 0.00003; gnomAD 0.00005.
gnomAD v4.1: 14 of 1,208,945 alleles (0.0012%); highest among the groups gnomAD compares: African/African-American, 0.0052%; no homozygotes.

Submissions (4):

Labcorp Genetics (formerly Invitae), Labcorp
Classification: Likely benign. Last evaluated: 2026-01-12. Review status: criteria provided, single submitter. Criteria: Invitae Variant Classification Sherloc (09022015). Collection method: clinical testing. Allele origin: germline.

GeneDx
Classification: Likely benign. Last evaluated: 2020-04-10. Review status: criteria provided, single submitter. Criteria: GeneDx Variant Classification Process June 2021. Collection method: clinical testing. Allele origin: germline. Affected: yes.

Genetic Services Laboratory, University of Chicago
Classification: Likely benign. Last evaluated: 2018-12-19. Review status: criteria provided, single submitter. Criteria: ACMG Guidelines, 2015. Collection method: clinical testing. Allele origin: germline. Affected: no.

PreventionGenetics, part of Exact Sciences
Classification: Likely benign for CLCN4-related condition. Last evaluated: 2019-04-26. Review status: no assertion criteria provided. Collection method: clinical testing. Allele origin: germline. Not counted in ClinVar's aggregate classification.
Comment: This variant is classified as likely benign based on ACMG/AMP sequence variant interpretation guidelines (Richards et al. 2015 PMID: 25741868, with internal and published modifications).